The following is an entry in ClinVar:

NM_004076.5(CRYBB3):c.213C>T (p.Ser71=)

Gene: CRYBB3 (crystallin beta B3; plus strand). Cytogenetic location: 22q11.23.
Variant type: single nucleotide variant.
Coding change: c.213C>T on transcript NM_004076.5 (MANE Select); coding-DNA position 213, C replaced by T.
Protein change: p.Ser71=; no amino-acid change (serine 71 retained).
Molecular consequence: synonymous variant.
Genome position (GRCh38, 1-based): chr22:25,203,781, C>T. VCF-style: chr22-25203781-C-T. GRCh37 (hg19) VCF-style: chr22-25599748-C-T.
Identifiers: ClinVar variation 340952 (VCV000340952.33), dbSNP rs201863246, ClinGen allele CA10157711.

ClinVar aggregate classification (germline): Conflicting classifications of pathogenicity. Review status: criteria provided, conflicting classifications (1 of 4 stars). 4 submissions from 4 submitters: Uncertain significance (2); Likely benign (2). Last evaluated 2023-10-04.

Conditions:
Cataract 22 multiple types. Also called: CATARACT 22, NUCLEAR, AUTOSOMAL RECESSIVE; CATARACT 22, MULTIPLE TYPES, AUTOSOMAL DOMINANT; Cataract 22. Identifiers: Orphanet 91492, MedGen C1857853, MONDO:0012336, OMIM 609741.

Allele frequency attached by ClinVar (database versions not stated): gnomAD exomes 0.00003; gnomAD 0.00004 and 0.00005; ExAC 0.00005; TOPMed 0.00007; 1000 Genomes Project 30x 0.00016; 1000 Genomes Project 0.00020.
gnomAD v4.1: 50 of 1,614,178 alleles (0.0031%); highest among the groups gnomAD compares: Middle Eastern, 0.18%; no homozygotes.

Submissions (4):

Labcorp Genetics (formerly Invitae), Labcorp
Classification: Likely benign for Cataract 22 multiple types. Last evaluated: 2023-10-04. Review status: criteria provided, single submitter. Criteria: Invitae Variant Classification Sherloc (09022015). Collection method: clinical testing. Allele origin: germline.

CeGaT Center for Human Genetics Tuebingen
Classification: Likely benign. Last evaluated: 2022-10-01. Review status: criteria provided, single submitter. Criteria: CeGaT Center For Human Genetics Tuebingen Variant Classification Criteria Version 2. Collection method: clinical testing. Allele origin: germline. Affected: yes. Observed: 1 variant allele.
Comment: CRYBB3: BP4, BP7

Illumina Laboratory Services, Illumina
Classification: Uncertain significance for Cataract 22 multiple types. Last evaluated: 2018-01-13. Review status: criteria provided, single submitter. Criteria: ICSL Variant Classification Criteria 13 December 2019. Collection method: clinical testing. Allele origin: germline.

Breakthrough Genomics
Classification: Uncertain significance. Review status: criteria provided, single submitter. Criteria: ACMG Guidelines, 2015. Collection method: not provided. Allele origin: germline. Inheritance: Autosomal dominant inheritance. Affected: yes.